The following is an entry in ClinVar:

ClinVar aggregate classification (germline): Uncertain significance (1 of 4 stars; one submission).

Conditions:
Hereditary cancer-predisposing syndrome. Also called: Tumor predisposition; Hereditary Cancer Syndrome; Hereditary neoplastic syndrome; Neoplastic Syndromes, Hereditary. Identifiers: Orphanet 140162, MedGen C0027672, MeSH D009386, MONDO:0015356.

Submission:

Ambry Genetics
Classification: Uncertain significance for Hereditary cancer-predisposing syndrome. Last evaluated: 2015-04-03. Review status: criteria provided, single submitter. Criteria: Ambry Variant Classification Scheme 2023. Collection method: clinical testing. Allele origin: germline.
Comment: The c.8850+7T>G intronic alteration consists of a T to G substitution nucleotides after coding exon 60 in the ATM gene. Based on insufficient or conflicting evidence, the clinical significance of this alteration remains unclear.

NM_000051.4(ATM):c.8850+7T>G

Genes: ATM (ATM serine/threonine kinase; plus strand), C11orf65 (chromosome 11 open reading frame 65; minus strand). Cytogenetic location: 11q22.3.
Variant type: single nucleotide variant.
Coding change: c.8850+7T>G on transcript NM_000051.4 (MANE Select); 7 bases into the intron after coding-DNA position 8850, T replaced by G.
Molecular consequence: intron variant.
Genome position (GRCh38, 1-based): chr11:108,354,881, T>G. VCF-style: chr11-108354881-T-G. GRCh37 (hg19) VCF-style: chr11-108225608-T-G.
Other names: c.8850+7T>G (NM_001351834.2); c.640+31039A>C (NM_001330368.2); c.695-19589A>C (NM_001351110.2).
Identifiers: ClinVar variation 3076188 (VCV003076188.1), dbSNP rs2137355586, ClinGen allele CA2793553830.
Genomic context (GRCh38, chr11:108,354,881, plus strand): 5'-AAAACCATGGAAGTGATGAGAAACTCTCAGGAAACTCTGTTAACCATTGTAGAGGTAAAG[T>G]ATTTTATAAGGAAGACTTTATTTTTTTTCTTACCAGGTAGACTGTGTATCTCATCAGGAA-3'